The following is an entry in ClinVar:

ClinVar aggregate classification (germline): Uncertain significance (1 of 4 stars; one submission).

Submission:

GeneDx
Classification: Uncertain significance. Last evaluated: 2025-02-04. Review status: criteria provided, single submitter. Criteria: GeneDx Variant Classification Process June 2021. Collection method: clinical testing. Allele origin: germline. Affected: yes.
Comment: Not observed at significant frequency in large population cohorts (gnomAD); In silico analysis supports that this missense variant has a deleterious effect on protein structure/function; Has not been previously published as pathogenic or benign to our knowledge

NM_000217.3(KCNA1):c.772G>A (p.Asp258Asn)

Gene: KCNA1 (potassium voltage-gated channel subfamily A member 1; plus strand). Cytogenetic location: 12p13.32.
Variant type: single nucleotide variant.
Coding change: c.772G>A on transcript NM_000217.3 (MANE Select); coding-DNA position 772, G replaced by A.
Protein change: p.Asp258Asn; replaces aspartic acid 258 with asparagine.
Molecular consequence: missense variant.
Genome position (GRCh38, 1-based): chr12:4,912,150, G>A. VCF-style: chr12-4912150-G-A. GRCh37 (hg19) VCF-style: chr12-5021316-G-A.
Other names: short protein forms D258N.
Identifiers: ClinVar variation 4072832 (VCV004072832.1).